The following is an entry in ClinVar:

ClinVar aggregate classification (germline): Uncertain significance (1 of 4 stars; one submission).

Conditions:
Peroxisome biogenesis disorder. Identifiers: Orphanet 79189, MedGen C1832200, MONDO:0019234. Disease mechanism: loss of function.

Submission:

Labcorp Genetics (formerly Invitae), Labcorp
Classification: Uncertain significance for Peroxisome biogenesis disorder. Last evaluated: 2024-10-24. Review status: criteria provided, single submitter. Criteria: Invitae Variant Classification Sherloc (09022015). Collection method: clinical testing. Allele origin: germline.
Comment: This sequence change replaces valine, which is neutral and non-polar, with isoleucine, which is neutral and non-polar, at codon 187 of the PEX6 protein (p.Val187Ile). This variant is not present in population databases (gnomAD no frequency). This variant has not been reported in the literature in individuals affected with PEX6-related conditions. ClinVar contains an entry for this variant (Variation ID: 1513956). An algorithm developed to predict the effect of missense changes on protein structure and function (PolyPhen-2) suggests that this variant is likely to be tolerated. In summary, the available evidence is currently insufficient to determine the role of this variant in disease. Therefore, it has been classified as a Variant of Uncertain Significance.

NM_000287.4(PEX6):c.559G>A (p.Val187Ile)

Gene: PEX6 (peroxisomal biogenesis factor 6; minus strand). Cytogenetic location: 6p21.1.
Variant type: single nucleotide variant.
Coding change: c.559G>A on transcript NM_000287.4 (MANE Select); coding-DNA position 559, G replaced by A.
Protein change: p.Val187Ile; replaces valine 187 with isoleucine.
Molecular consequence: missense variant. On other transcripts: non-coding transcript variant (1).
Genome position (GRCh38, 1-based): chr6:42,978,592, C>T on the plus strand (G>A on the coding strand, the complement: PEX6 is on the minus strand). VCF-style: chr6-42978592-C-T. GRCh37 (hg19) VCF-style: chr6-42946330-C-T.
Other names: c.559G>A, p.Val187Ile (NM_001316313.2); short protein forms V187I.
Identifiers: ClinVar variation 1513956 (VCV001513956.7), dbSNP rs2150239788, ClinGen allele CA364164043.